The following is an entry in ClinVar:

NM_000535.7(PMS2):c.1417G>A (p.Glu473Lys)

Gene: PMS2 (PMS1 homolog 2, mismatch repair system component; minus strand). Cytogenetic location: 7p22.1.
Variant type: single nucleotide variant.
Coding change: c.1417G>A on transcript NM_000535.7 (MANE Select); coding-DNA position 1417, G replaced by A.
Protein change: p.Glu473Lys; replaces glutamic acid 473 with lysine.
Molecular consequence: missense variant. On other transcripts: non-coding transcript variant (1).
Genome position (GRCh38, 1-based): chr7:5,987,348, C>T on the plus strand (G>A on the coding strand, the complement: PMS2 is on the minus strand). VCF-style: chr7-5987348-C-T. GRCh37 (hg19) VCF-style: chr7-6026979-C-T.
Other names: c.1012G>A, p.Glu338Lys (NM_001322003.2, NM_001322004.2, NM_001322005.2 and 1 more transcripts); c.1261G>A, p.Glu421Lys (NM_001322006.2); c.1099G>A, p.Glu367Lys (NM_001322007.2, NM_001322008.2); c.856G>A, p.Glu286Lys (NM_001322010.2); c.484G>A, p.Glu162Lys (NM_001322011.2, NM_001322012.2); c.844G>A, p.Glu282Lys (NM_001322013.2); c.1417G>A, p.Glu473Lys (NM_001322014.2); c.1108G>A, p.Glu370Lys (NM_001322015.2); short protein forms E473K, E282K, E286K, E367K, E370K, E421K, E162K, E338K.
Identifiers: ClinVar variation 187042 (VCV000187042.24), dbSNP rs786203427, ClinGen allele CA009646.

ClinVar aggregate classification (germline): Conflicting classifications of pathogenicity. Review status: criteria provided, conflicting classifications (1 of 4 stars). 7 submissions from 7 submitters: Uncertain significance (6); Likely benign (1). Last evaluated 2025-11-17.

Conditions:
PMS2-related disorder. Also called: PMS2-related condition.
Lynch syndrome 4 (LYNCH4). Also called: Colorectal cancer, hereditary nonpolyposis, type 4; Hereditary non-polyposis colorectal cancer, type 4. Identifiers: Orphanet 144, MedGen C1838333, MONDO:0013699, OMIM 614337. Disease mechanism: loss of function.
Mismatch repair cancer syndrome 4. Identifiers: MedGen C5436817, MONDO:0030843, OMIM 619101.
Hereditary nonpolyposis colorectal neoplasms. Identifiers: MedGen C0009405, MeSH D003123.
Hereditary cancer-predisposing syndrome. Also called: Neoplastic Syndromes, Hereditary; Tumor predisposition; Hereditary neoplastic syndrome; Hereditary Cancer Syndrome. Identifiers: Orphanet 140162, MedGen C0027672, MeSH D009386, MONDO:0015356.
Lynch syndrome. Identifiers: Orphanet 144, MedGen C4552100, MONDO:0005835. Disease mechanism: loss of function.

Allele frequency attached by ClinVar (database versions not stated): gnomAD exomes below 0.00001; gnomAD 0.00001; TOPMed 0.00001.
gnomAD v4.1: 4 of 1,614,050 alleles (0.00025%); highest among the groups gnomAD compares: African/African-American, 0.0013%; no homozygotes.

Submissions (7):

Labcorp Genetics (formerly Invitae), Labcorp
Classification: Uncertain significance for Hereditary nonpolyposis colorectal neoplasms. Last evaluated: 2025-11-17. Review status: criteria provided, single submitter. Criteria: Invitae Variant Classification Sherloc (09022015). Collection method: clinical testing. Allele origin: germline.
Comment: This sequence change replaces glutamic acid, which is acidic and polar, with lysine, which is basic and polar, at codon 473 of the PMS2 protein (p.Glu473Lys). This variant is present in population databases (rs786203427, gnomAD 0.007%). This missense change has been observed in individual(s) with breast cancer (PMID: 26976419). ClinVar contains an entry for this variant (Variation ID: 187042). Invitae Evidence Modeling incorporating data from in vitro experimental studies (internal data) indicates that this missense variant is not expected to disrupt PMS2 function with a negative predictive value of 95%. Experimental studies have shown that this missense change does not substantially affect PMS2 function (PMID: 20603082). In summary, the available evidence is currently insufficient to determine the role of this variant in disease. Therefore, it has been classified as a Variant of Uncertain Significance.

PreventionGenetics, part of Exact Sciences
Classification: Uncertain significance for PMS2-related condition. Last evaluated: 2025-10-16. Review status: criteria provided, single submitter. Criteria: ACMG Guidelines, 2015. Collection method: clinical testing. Allele origin: germline.
Comment: The PMS2 c.1417G>A variant is predicted to result in the amino acid substitution p.Glu473Lys. This variant has been reported in the literature in individuals with breast cancer (Tung et al. 2016. PubMed ID: 26976419). Experimental studies showed this variant does not negatively impact PMS2 function (Pillon et al. 2010. PubMed ID: 20603082). This variant is reported in 0.0062% of alleles in individuals of African descent in gnomAD. This variant has conflicting interpretations in ClinVar ranging from uncertain to likely benign (Variation ID: 187042). At this time, the clinical significance of this variant is uncertain due to the absence of conclusive functional and genetic evidence.

Color Diagnostics, LLC DBA Color Health
Classification: Uncertain significance for Hereditary cancer-predisposing syndrome. Last evaluated: 2025-06-17. Review status: criteria provided, single submitter. Criteria: ACMG Guidelines, 2015. Collection method: clinical testing. Allele origin: germline.
Comment: This missense variant replaces glutamic acid with lysine at codon 473 of the PMS2 protein. Computational prediction suggests that this variant may not impact protein structure and function. To our knowledge, functional studies have not been reported for this variant. This variant has been reported in an individual affected with breast cancer (PMID: 26976419). This variant has been identified in 1/251494 chromosomes in the general population by the Genome Aggregation Database (gnomAD). The available evidence is insufficient to determine the role of this variant in disease conclusively. Therefore, this variant is classified as a Variant of Uncertain Significance.

Ambry Genetics
Classification: Likely benign for Hereditary cancer-predisposing syndrome. Last evaluated: 2024-11-01. Review status: criteria provided, single submitter. Criteria: Ambry Variant Classification Scheme 2023. Collection method: clinical testing. Allele origin: germline.

Fulgent Genetics
Classification: Uncertain significance for Lynch syndrome 4; Mismatch repair cancer syndrome 4. Last evaluated: 2024-01-22. Review status: criteria provided, single submitter. Criteria: ACMG Guidelines, 2015. Collection method: clinical testing. Allele origin: germline.

All of Us Research Program, National Institutes of Health
Classification: Uncertain significance for Lynch syndrome. Last evaluated: 2023-03-09. Review status: criteria provided, single submitter. Criteria: ACMG Guidelines, 2015. Collection method: clinical testing. Allele origin: germline. Inheritance: Autosomal dominant inheritance. Observed: 1 variant allele, 1 heterozygote.
Comment: This missense variant replaces glutamic acid with lysine at codon 473 of the PMS2 protein. Computational prediction suggests that this variant may not impact protein structure and function (internally defined REVEL score threshold <= 0.5, PMID: 27666373). To our knowledge, functional studies have not been reported for this variant. This variant has been reported in an individual affected with breast cancer (PMID: 26976419). This variant has been identified in 1/251494 chromosomes in the general population by the Genome Aggregation Database (gnomAD). The available evidence is insufficient to determine the role of this variant in disease conclusively. Therefore, this variant is classified as a Variant of Uncertain Significance.

This study involves interpretation of variants in research participants for the purpose of population health screening. Participant phenotype was not available at the time of variant classification. Additional details can be found in publication PMID: 35346344, PMCID: PMC8962531

GeneDx
Classification: Uncertain significance. Last evaluated: 2022-12-08. Review status: criteria provided, single submitter. Criteria: GeneDx Variant Classification Process June 2021. Collection method: clinical testing. Allele origin: germline. Affected: yes.
Comment: Observed in at least one individual with breast cancer (Tung 2016); Not observed at significant frequency in large population cohorts (gnomAD); In silico analysis supports that this missense variant does not alter protein structure/function; This variant is associated with the following publications: (PMID: 33281875, 20603082, 26976419)

Literature cited by the submitters: PubMed 26976419 (cited by 3 submitters); PubMed 20603082 (cited by Labcorp Genetics (formerly Invitae), Labcorp).